The following is an entry in ClinVar:

NM_014845.6(FIG4):c.644G>A (p.Ser215Asn)

Gene: FIG4 (FIG4 phosphoinositide 5-phosphatase; plus strand). Cytogenetic location: 6q21.
Variant type: single nucleotide variant.
Coding change: c.644G>A on transcript NM_014845.6 (MANE Select); coding-DNA position 644, G replaced by A.
Protein change: p.Ser215Asn; replaces serine 215 with asparagine.
Molecular consequence: missense variant.
Genome position (GRCh38, 1-based): chr6:109,735,296, G>A. VCF-style: chr6-109735296-G-A. GRCh37 (hg19) VCF-style: chr6-110056499-G-A.
Other names: p.Ser215Asn; short protein forms S215N.
Identifiers: ClinVar variation 2682946 (VCV002682946.1), dbSNP rs2486121831, ClinGen allele CA365219751.

ClinVar aggregate classification (germline): Uncertain significance (1 of 4 stars; one submission).

Submission:

Mayo Clinic Laboratories, Mayo Clinic
Classification: Uncertain significance. Last evaluated: 2022-03-16. Review status: criteria provided, single submitter. Criteria: ACMG Guidelines, 2015. Collection method: clinical testing. Allele origin: germline. Observed: 1 variant allele.
Comment: BP4, PM2